The following is an entry in ClinVar:

NM_017636.4(TRPM4):c.491G>A (p.Arg164Gln)

Gene: TRPM4 (transient receptor potential cation channel subfamily M member 4; plus strand). Cytogenetic location: 19q13.33.
Variant type: single nucleotide variant.
Coding change: c.491G>A on transcript NM_017636.4 (MANE Select); coding-DNA position 491, G replaced by A.
Protein change: p.Arg164Gln; replaces arginine 164 with glutamine.
Molecular consequence: missense variant. On other transcripts: 5 prime UTR variant (2), intron variant (2).
Genome position (GRCh38, 1-based): chr19:49,168,302, G>A. VCF-style: chr19-49168302-G-A. GRCh37 (hg19) VCF-style: chr19-49671559-G-A.
Other names: c.491G>A, p.Arg164Gln (NM_001195227.2); c.-1063G>A (NM_001321282.2); c.-32G>A (NM_001321283.2); c.268-251G>A (NM_001321281.2); c.-237-251G>A (NM_001321285.2); short protein forms R164Q.
Identifiers: ClinVar variation 241181 (VCV000241181.14), dbSNP rs774677078, ClinGen allele CA9568848.

ClinVar aggregate classification (germline): Uncertain significance. Review status: criteria provided, multiple submitters, no conflicts (2 of 4 stars). 5 submissions from 5 submitters: Uncertain significance (5). Last evaluated 2026-04-16.

Conditions:
Cardiovascular phenotype. Identifiers: MedGen CN230736.
Progressive familial heart block type IB (PFHB1B). Identifiers: Orphanet 871, MedGen C1970298, MONDO:0011474, OMIM 604559.

Allele frequency attached by ClinVar (database versions not stated): gnomAD exomes 0.00001 and 0.00002; TOPMed 0.00003; gnomAD 0.00004 and 0.00003; ExAC 0.00001.
gnomAD v4.1: 24 of 1,614,042 alleles (0.0015%); highest among the groups gnomAD compares: African/African-American, 0.008%; no homozygotes.

Submissions (5):

GeneDx
Classification: Uncertain significance. Last evaluated: 2026-04-16. Review status: criteria provided, single submitter. Criteria: GeneDx Variant Classification Process June 2021. Collection method: clinical testing. Allele origin: germline.
Comment: Not observed at significant frequency in large population cohorts (gnomAD); In silico analysis suggests that this missense variant does not alter protein structure/function; Has not been previously published as pathogenic or benign to our knowledge

Blueprint Genetics
Classification: Uncertain significance. Last evaluated: 2024-11-22. Review status: criteria provided, single submitter. Criteria: ACMG Guidelines, 2015. Collection method: clinical testing. Allele origin: germline.

Women's Health and Genetics/Laboratory Corporation of America, LabCorp
Classification: Uncertain significance. Last evaluated: 2024-11-18. Review status: criteria provided, single submitter. Criteria: LabCorp Variant Classification Summary - May 2015. Collection method: clinical testing. Allele origin: germline.
Comment: Variant summary: TRPM4 c.491G>A (p.Arg164Gln) results in a conservative amino acid change in the encoded protein sequence. Three of five in-silico tools predict a benign effect of the variant on protein function. The variant allele was found at a frequency of 1.6e-05 in 251424 control chromosomes. The available data on variant occurrences in the general population are insufficient to allow any conclusion about variant significance. To our knowledge, no occurrence of c.491G>A in individuals affected with Progressive Familial Heart Block Type 1B and no experimental evidence demonstrating its impact on protein function have been reported. ClinVar contains an entry for this variant (Variation ID: 241181). Based on the evidence outlined above, the variant was classified as uncertain significance.

Labcorp Genetics (formerly Invitae), Labcorp
Classification: Uncertain significance for Progressive familial heart block type IB. Last evaluated: 2024-09-03. Review status: criteria provided, single submitter. Criteria: Invitae Variant Classification Sherloc (09022015). Collection method: clinical testing. Allele origin: germline.
Comment: This sequence change replaces arginine, which is basic and polar, with glutamine, which is neutral and polar, at codon 164 of the TRPM4 protein (p.Arg164Gln). This variant is present in population databases (rs774677078, gnomAD 0.02%). This variant has not been reported in the literature in individuals affected with TRPM4-related conditions. ClinVar contains an entry for this variant (Variation ID: 241181). An algorithm developed to predict the effect of missense changes on protein structure and function outputs the following: PolyPhen-2: "Benign". The glutamine amino acid residue is found in multiple mammalian species, which suggests that this missense change does not adversely affect protein function. In summary, the available evidence is currently insufficient to determine the role of this variant in disease. Therefore, it has been classified as a Variant of Uncertain Significance.

Ambry Genetics
Classification: Uncertain significance for Cardiovascular phenotype. Last evaluated: 2024-03-19. Review status: criteria provided, single submitter. Criteria: Ambry Variant Classification Scheme 2023. Collection method: clinical testing. Allele origin: germline.
Comment: The p.R164Q variant (also known as c.491G>A), located in coding exon 5 of the TRPM4 gene, results from a G to A substitution at nucleotide position 491. The arginine at codon 164 is replaced by glutamine, an amino acid with highly similar properties. This amino acid position is conserved. In addition, this alteration is predicted to be tolerated by in silico analysis. Since supporting evidence is limited at this time, the clinical significance of this alteration remains unclear.